The following is an entry in ClinVar:

NM_004525.3(LRP2):c.5097T>C (p.Asn1699=)

Gene: LRP2 (LDL receptor related protein 2; minus strand). Cytogenetic location: 2q31.1.
Variant type: single nucleotide variant.
Coding change: c.5097T>C on transcript NM_004525.3 (MANE Select); coding-DNA position 5097, T replaced by C.
Protein change: p.Asn1699=; no amino-acid change (asparagine 1699 retained).
Molecular consequence: synonymous variant.
Genome position (GRCh38, 1-based): chr2:169,233,412, A>G on the plus strand (T>C on the coding strand, the complement: LRP2 is on the minus strand). VCF-style: chr2-169233412-A-G. GRCh37 (hg19) VCF-style: chr2-170089922-A-G.
Identifiers: ClinVar variation 1494867 (VCV001494867.6), dbSNP rs771103906, ClinGen allele CA1954628.
Genomic context (GRCh38, chr2:169,233,412, plus strand): 5'-TCCCAGGGTCAGTGTTTTTCAAGCTACTCCCAGGCAGGATGTTTCTCTGTATCACTCACA[A>G]TTTGGTTGTTTCGAAGGATGAACCGCAACAATCCCAAGGGGCCATTGAATATTATACATT-3'
Protein context (NP_004516.2, residues 1689-1709): IVAVHPSKQP[Asn1699=]SVNPCAFSRC

ClinVar aggregate classification (germline): Conflicting classifications of pathogenicity. Review status: criteria provided, conflicting classifications (1 of 4 stars). 2 submissions from 2 submitters: Uncertain significance (1); Likely benign (1). Last evaluated 2024-03-28.

Allele frequency attached by ClinVar (database versions not stated): gnomAD 0.00001; gnomAD exomes 0.00001 and 0.00002; ExAC 0.00002; TOPMed 0.00004.

Submissions (2):

Blueprint Genetics
Classification: Likely benign. Last evaluated: 2024-03-28. Review status: criteria provided, single submitter. Criteria: ACMG Guidelines, 2015. Collection method: clinical testing. Allele origin: germline.

Labcorp Genetics (formerly Invitae), Labcorp
Classification: Uncertain significance. Last evaluated: 2022-03-24. Review status: criteria provided, single submitter. Criteria: Invitae Variant Classification Sherloc (09022015). Collection method: clinical testing. Allele origin: germline.
Comment: This sequence change affects codon 1699 of the LRP2 mRNA. It is a 'silent' change, meaning that it does not change the encoded amino acid sequence of the LRP2 protein. It affects a nucleotide within the consensus splice site. This variant is present in population databases (rs771103906, gnomAD 0.03%). This variant has not been reported in the literature in individuals affected with LRP2-related conditions. Algorithms developed to predict the effect of sequence changes on RNA splicing suggest that this variant is not likely to affect RNA splicing. In summary, the available evidence is currently insufficient to determine the role of this variant in disease. Therefore, it has been classified as a Variant of Uncertain Significance.